The following is an entry in ClinVar:

NM_002764.4(PRPS1):c.878C>T (p.Ser293Phe)

Gene: PRPS1 (phosphoribosyl pyrophosphate synthetase 1; plus strand). Cytogenetic location: Xq22.3.
Variant type: single nucleotide variant.
Coding change: c.878C>T on transcript NM_002764.4 (MANE Select); coding-DNA position 878, C replaced by T.
Protein change: p.Ser293Phe; replaces serine 293 with phenylalanine.
Molecular consequence: missense variant.
Genome position (GRCh38, 1-based): chrX:107,649,953, C>T. VCF-style: chrX-107649953-C-T. GRCh37 (hg19) VCF-style: chrX-106893183-C-T.
Other names: c.266C>T, p.Ser89Phe (NM_001204402.2); short protein forms S293F, S89F.
Identifiers: ClinVar variation 4538149 (VCV004538149.1).
Genomic context (GRCh38, chrX:107,649,953, plus strand): 5'-TCTCTGACCATATGATAGTAACCTGATTTCCTTTCTTGCCTTTCTAGGTGATTGACATCT[C>T]TATGATCCTTGCAGAAGCCATCAGGAGAACTCACAATGGAGAATCCGTTTCTTACCTATT-3'
Protein context (NP_002755.1, residues 283-303): HCSKIQVIDI[Ser293Phe]MILAEAIRRT

ClinVar aggregate classification (germline): Uncertain significance (1 of 4 stars; one submission).

Submission:

GeneDx
Classification: Uncertain significance. Last evaluated: 2025-06-10. Review status: criteria provided, single submitter. Criteria: GeneDx Variant Classification Process June 2021. Collection method: clinical testing. Allele origin: germline. Affected: yes.
Comment: Not observed at significant frequency in large population cohorts (gnomAD); In silico analysis supports that this missense variant has a deleterious effect on protein structure/function; Has not been previously published as pathogenic or benign to our knowledge